The following is an entry in ClinVar:

NM_201378.4(PLEC):c.71-11672dup

Gene: PLEC (plectin; minus strand). Cytogenetic location: 8q24.3.
Variant type: Duplication.
Coding change: c.71-11672dup on transcript NM_201378.4 (MANE Plus Clinical); 11672 bases into the intron before coding-DNA position 71, one base duplicated (C; older notation c.71-11672dupC).
Molecular consequence: intron variant. On other transcripts: frameshift variant (1).
Genome position (GRCh38, 1-based): chr8:143,950,364, G duplicated on the plus strand (C on the coding strand, the reverse complement: PLEC is on the minus strand); the first of 6 consecutive G bases (chr8:143,950,364-143,950,369); duplicating any one gives the same sequence. VCF-style (leftmost placement, unchanged base first): chr8-143950363-T-TG. GRCh37 (hg19) VCF-style: chr8-145024531-T-TG.
Other names: c.343dup, p.His115fs (NM_201380.4); c.194-11672dup (NM_001410941.1, NM_000445.5); c.46+3362dup (NM_201379.3); short protein forms H115fs.
Identifiers: ClinVar variation 2662726 (VCV002662726.1), dbSNP rs782040592, ClinGen allele CA4928953.
Genomic context (GRCh38, chr8:143,950,363, plus strand): 5'-TCCGTCGGCAGCGGCCCCCGCTTGGGTGGGGAGCCCAGGGGACCCTGCACAGCCTGCACG[T>TG]GGGGGGTGCGGCGTGCGGGCATCACCATGGCGACGGGGCGGCGCACGCGCTGCAGAGAGG-3'

ClinVar aggregate classification (germline): Likely pathogenic (1 of 4 stars; one submission).

Submission:

GeneDx
Classification: Likely pathogenic. Last evaluated: 2023-10-19. Review status: criteria provided, single submitter. Criteria: GeneDx Variant Classification Process June 2021. Collection method: clinical testing. Allele origin: germline. Affected: yes.
Comment: Frameshift variant predicted to result in protein truncation or nonsense mediated decay in a gene for which loss of function is a known mechanism of disease; Not observed at significant frequency in large population cohorts (gnomAD); Has not been previously published as pathogenic or benign to our knowledge; Reported using an alternate transcript of the gene